The following is an entry in ClinVar:

NM_001122681.2(SH3BP2):c.300T>C (p.His100=)

Gene: SH3BP2 (SH3 domain binding protein 2; plus strand). Cytogenetic location: 4p16.3.
Variant type: single nucleotide variant.
Coding change: c.300T>C on transcript NM_001122681.2 (MANE Select); coding-DNA position 300, T replaced by C.
Protein change: p.His100=; no amino-acid change (histidine 100 retained).
Molecular consequence: synonymous variant.
Genome position (GRCh38, 1-based): chr4:2,824,673, T>C. VCF-style: chr4-2824673-T-C. GRCh37 (hg19) VCF-style: chr4-2826400-T-C.
Other names: p.His100=; c.300T>C, p.His100= (NM_003023.4); c.384T>C, p.His128= (NM_001145855.2); c.471T>C, p.His157= (NM_001145856.2).
Identifiers: ClinVar variation 258894 (VCV000258894.27), dbSNP rs3213501, ClinGen allele CA2819001.

ClinVar aggregate classification (germline): Benign/Likely benign. Review status: criteria provided, multiple submitters, no conflicts (2 of 4 stars). 11 submissions from 11 submitters: Benign (10); Likely benign (1). Last evaluated 2026-02-04.

Conditions:
Fibrous dysplasia of jaw (CRBM). Also called: Cherubism. Identifiers: Orphanet 184, MedGen C0008029, MONDO:0007315, OMIM 118400.

Allele frequency attached by ClinVar (database versions not stated): TOPMed 0.81335; gnomAD exomes 0.72990 and 0.75493; ExAC 0.75377; 1000 Genomes Project 0.78754; gnomAD 0.79528 and 0.79911; 1000 Genomes Project 30x 0.79560; ESP Exome Variant Server 0.79717.
gnomAD v4.1: 1,188,505 of 1,613,482 alleles (74%); highest among the groups gnomAD compares: African/African-American, 96%; 442,215 homozygotes.

Submissions (11):

Labcorp Genetics (formerly Invitae), Labcorp
Classification: Benign for Fibrous dysplasia of jaw. Last evaluated: 2026-02-04. Review status: criteria provided, single submitter. Criteria: Invitae Variant Classification Sherloc (09022015). Collection method: clinical testing. Allele origin: germline.

Women's Health and Genetics/Laboratory Corporation of America, LabCorp
Classification: Benign. Last evaluated: 2026-01-21. Review status: criteria provided, single submitter. Criteria: LabCorp Variant Classification Summary - May 2015. Collection method: clinical testing. Allele origin: germline.

Blueprint Genetics
Classification: Likely benign. Last evaluated: 2024-11-26. Review status: criteria provided, single submitter. Criteria: ACMG Guidelines, 2015. Collection method: clinical testing. Allele origin: germline.

Unidad de Genómica Garrahan, Hospital de Pediatría Garrahan
Classification: Benign. Last evaluated: 2023-11-12. Review status: criteria provided, single submitter. Criteria: ACMG Guidelines, 2015. Collection method: clinical testing. Allele origin: germline. Affected: no. Observed: 91 variant alleles.
Comment: This variant is classified as Benign based on local population frequency. This variant was detected in 95% of patients studied by a panel of primary immunodeficiencies. Number of patients: 91. Only high quality variants are reported.

Genome-Nilou Lab
Classification: Benign for Fibrous dysplasia of jaw. Last evaluated: 2021-07-15. Review status: criteria provided, single submitter. Criteria: ACMG Guidelines, 2015. Collection method: clinical testing. Allele origin: germline. Affected: no.

GeneDx
Classification: Benign. Last evaluated: 2020-04-10. Review status: criteria provided, single submitter. Criteria: GeneDx Variant Classification Process June 2021. Collection method: clinical testing. Allele origin: germline. Affected: yes.

Mayo Clinic Laboratories, Mayo Clinic
Classification: Benign. Last evaluated: 2018-03-22. Review status: criteria provided, single submitter. Criteria: ACMG Guidelines, 2015. Collection method: clinical testing. Allele origin: germline. Observed: 938 variant alleles.

Illumina Laboratory Services, Illumina
Classification: Benign for Fibrous dysplasia of jaw. Last evaluated: 2018-01-12. Review status: criteria provided, single submitter. Criteria: ICSL Variant Classification Criteria 13 December 2019. Collection method: clinical testing. Allele origin: germline.
Comment: This variant was observed in the ICSL laboratory as part of a predisposition screen in an ostensibly healthy population. It had not been previously curated by ICSL or reported in the Human Gene Mutation Database (HGMD: prior to June 1st, 2018), and was therefore a candidate for classification through an automated scoring system. Utilizing variant allele frequency, disease prevalence and penetrance estimates, and inheritance mode, an automated score was calculated to assess if this variant is too frequent to cause the disease. Based on the score and internal cut-off values, a variant classified as benign is not then subjected to further curation. The score for this variant resulted in a classification of benign for this disease.

Laboratory for Molecular Medicine, Mass General Brigham Personalized Medicine
Classification: Benign. Last evaluated: 2016-03-28. Review status: criteria provided, single submitter. Criteria: LMM Criteria. Collection method: clinical testing. Allele origin: germline.
Comment: Variant identified in a genome or exome case(s) and assessed due to predicted null impact of the variant or pathogenic assertions in the literature or databases. Disclaimer: This variant has not undergone full assessment. The following are preliminary notes: Frequency

Breakthrough Genomics
Classification: Benign. Review status: criteria provided, single submitter. Criteria: ACMG Guidelines, 2015. Collection method: not provided. Allele origin: germline. Inheritance: Autosomal dominant inheritance. Affected: yes.

PreventionGenetics, part of Exact Sciences
Classification: Benign. Review status: criteria provided, single submitter. Criteria: ACMG Guidelines, 2015. Collection method: clinical testing. Allele origin: germline.